The following is an entry in ClinVar:

ClinVar aggregate classification (germline): Uncertain significance (1 of 4 stars; one submission).

Conditions:
Familial cold autoinflammatory syndrome 2 (FCAS2). Identifiers: Orphanet 247868, MedGen C2673198, MONDO:0012724, OMIM 611762.

gnomAD v4.1: 1 of 1,614,132 alleles (0.000062%); highest among the groups gnomAD compares: Non-Finnish European, 0.000085%; no homozygotes.

Submission:

Labcorp Genetics (formerly Invitae), Labcorp
Classification: Uncertain significance for Familial cold autoinflammatory syndrome 2. Last evaluated: 2022-08-22. Review status: criteria provided, single submitter. Criteria: Invitae Variant Classification Sherloc (09022015). Collection method: clinical testing. Allele origin: germline.
Comment: This sequence change replaces proline, which is neutral and non-polar, with histidine, which is basic and polar, at codon 278 of the NLRP12 protein (p.Pro278His). This variant is not present in population databases (gnomAD no frequency). In summary, the available evidence is currently insufficient to determine the role of this variant in disease. Therefore, it has been classified as a Variant of Uncertain Significance. Algorithms developed to predict the effect of missense changes on protein structure and function are either unavailable or do not agree on the potential impact of this missense change (SIFT: "Deleterious"; PolyPhen-2: "Probably Damaging"; Align-GVGD: "Class C15"). This variant has not been reported in the literature in individuals affected with NLRP12-related conditions.

NM_144687.4(NLRP12):c.833C>A (p.Pro278His)

Gene: NLRP12 (NLR family pyrin domain containing 12; minus strand). Cytogenetic location: 19q13.42.
Variant type: single nucleotide variant.
Coding change: c.833C>A on transcript NM_144687.4 (MANE Select); coding-DNA position 833, C replaced by A.
Protein change: p.Pro278His; replaces proline 278 with histidine.
Molecular consequence: missense variant.
Genome position (GRCh38, 1-based): chr19:53,810,826, G>T on the plus strand (C>A on the coding strand, the complement: NLRP12 is on the minus strand). VCF-style: chr19-53810826-G-T. GRCh37 (hg19) VCF-style: chr19-54314080-G-T.
Other names: c.833C>A, p.Pro278His (NM_001277126.2, NM_001277129.1); short protein forms P278H.
Identifiers: ClinVar variation 1717560 (VCV001717560.5), dbSNP rs778682173, ClinGen allele CA407415693.